The following is an entry in ClinVar:

ClinVar aggregate classification (germline): Uncertain significance. Review status: criteria provided, multiple submitters, no conflicts (2 of 4 stars). 2 submissions from 2 submitters: Uncertain significance (2). Last evaluated 2025-11-26.

Conditions:
Charcot-Marie-Tooth disease axonal type 2O. Also called: Charcot-Marie-Tooth disease, axonal, type 20; CHARCOT-MARIE-TOOTH NEUROPATHY, AXONAL, TYPE 2O; CHARCOT-MARIE-TOOTH DISEASE, AXONAL, AUTOSOMAL DOMINANT, TYPE 2O; Charcot-Marie-Tooth Neuropathy Type 2O. Identifiers: Orphanet 284232, MedGen C3280220, MONDO:0013644, OMIM 614228.
Inborn genetic diseases. Identifiers: MedGen C0950123, MeSH D030342.

Submissions (2):

Ambry Genetics
Classification: Uncertain significance for Inborn genetic diseases. Last evaluated: 2025-11-26. Review status: criteria provided, single submitter. Criteria: Ambry Variant Classification Scheme 2023. Collection method: clinical testing. Allele origin: germline.

Labcorp Genetics (formerly Invitae), Labcorp
Classification: Uncertain significance for Charcot-Marie-Tooth disease axonal type 2O. Last evaluated: 2025-09-10. Review status: criteria provided, single submitter. Criteria: Invitae Variant Classification Sherloc (09022015). Collection method: clinical testing. Allele origin: germline.
Comment: This sequence change replaces alanine, which is neutral and non-polar, with threonine, which is neutral and polar, at codon 778 of the DYNC1H1 protein (p.Ala778Thr). This variant is not present in population databases (gnomAD no frequency). This variant has not been reported in the literature in individuals affected with DYNC1H1-related conditions. Invitae Evidence Modeling of protein sequence and biophysical properties (such as structural, functional, and spatial information, amino acid conservation, physicochemical variation, residue mobility, and thermodynamic stability) indicates that this missense variant is expected to disrupt DYNC1H1 protein function with a positive predictive value of 95%. In summary, the available evidence is currently insufficient to determine the role of this variant in disease. Therefore, it has been classified as a Variant of Uncertain Significance.

NM_001376.5(DYNC1H1):c.2332G>A (p.Ala778Thr)

Gene: DYNC1H1 (dynein cytoplasmic 1 heavy chain 1; plus strand). Cytogenetic location: 14q32.31.
Variant type: single nucleotide variant.
Coding change: c.2332G>A on transcript NM_001376.5 (MANE Select); coding-DNA position 2332, G replaced by A.
Protein change: p.Ala778Thr; replaces alanine 778 with threonine.
Molecular consequence: missense variant.
Genome position (GRCh38, 1-based): chr14:101,986,557, G>A. VCF-style: chr14-101986557-G-A. GRCh37 (hg19) VCF-style: chr14-102452894-G-A.
Other names: short protein forms A778T.
Identifiers: ClinVar variation 4618105 (VCV004618105.2).